The following is an entry in ClinVar:

ClinVar aggregate classification (germline): Likely benign. Review status: criteria provided, single submitter (1 of 4 stars). 2 submissions from 2 submitters: Likely benign (1). 1 of the submissions does not count toward it. Last evaluated 2022-06-10.

Conditions:
PLA2G7-related disorder. Also called: PLA2G7-related condition.

Allele frequency attached by ClinVar (database versions not stated): gnomAD exomes below 0.00001; TOPMed 0.00001; gnomAD 0.00002.
gnomAD v4.1: 9 of 1,613,214 alleles (0.00056%); highest among the groups gnomAD compares: African/African-American, 0.008%; no homozygotes.

Submissions (2):

Blueprint Genetics
Classification: Likely benign. Last evaluated: 2022-06-10. Review status: criteria provided, single submitter. Criteria: ACMG Guidelines, 2015. Collection method: clinical testing. Allele origin: germline.

PreventionGenetics, part of Exact Sciences
Classification: Likely benign for PLA2G7-related condition. Last evaluated: 2019-06-24. Review status: no assertion criteria provided. Collection method: clinical testing. Allele origin: germline. Not counted in ClinVar's aggregate classification.
Comment: This variant is classified as likely benign based on ACMG/AMP sequence variant interpretation guidelines (Richards et al. 2015 PMID: 25741868, with internal and published modifications).

NM_005084.4(PLA2G7):c.222C>T (p.His74=)

Gene: PLA2G7 (phospholipase A2 group VII; minus strand). Cytogenetic location: 6p12.3.
Variant type: single nucleotide variant.
Coding change: c.222C>T on transcript NM_005084.4 (MANE Select); coding-DNA position 222, C replaced by T.
Protein change: p.His74=; no amino-acid change (histidine 74 retained).
Molecular consequence: synonymous variant.
Genome position (GRCh38, 1-based): chr6:46,716,984, G>A on the plus strand (C>T on the coding strand, the complement: PLA2G7 is on the minus strand). VCF-style: chr6-46716984-G-A. GRCh37 (hg19) VCF-style: chr6-46684721-G-A.
Other names: c.222C>T, p.His74= (NM_001168357.2).
Identifiers: ClinVar variation 3043035 (VCV003043035.3), dbSNP rs1005751871, ClinGen allele CA137857693.